The following is an entry in ClinVar:

NM_001032283.3(TMPO):c.565+1378G>A

Gene: TMPO (thymopoietin; plus strand). Cytogenetic location: 12q23.1.
Variant type: single nucleotide variant.
Coding change: c.565+1378G>A on transcript NM_001032283.3 (MANE Select); 1378 bases into the intron after coding-DNA position 565, G replaced by A.
Molecular consequence: intron variant. On other transcripts: missense variant (1).
Genome position (GRCh38, 1-based): chr12:98,533,216, G>A. VCF-style: chr12-98533216-G-A. GRCh37 (hg19) VCF-style: chr12-98926994-G-A.
Other names: c.959G>A, p.Gly320Asp (NM_003276.2); c.565+1378G>A (NM_001307975.2, NM_001032284.3); short protein forms G320D.
Identifiers: ClinVar variation 2744084 (VCV002744084.3), dbSNP rs2548503240, ClinGen allele CA386152172.

ClinVar aggregate classification (germline): Uncertain significance (1 of 4 stars; one submission).

Conditions:
Loeys-Dietz syndrome 2 (LDS2). Also called: Marfan Syndrome type 2; Marfan like connective tissue disorder; MFS 2; AORTIC ANEURYSM, FAMILIAL THORACIC 3; MARFAN SYNDROME, TYPE II; TGFBR2-Related Loeys-Dietz Syndrome. Identifiers: Orphanet 284973, Orphanet 558, MedGen C2674574, MONDO:0012427, OMIM 610168.

Submission:

Labcorp Genetics (formerly Invitae), Labcorp
Classification: Uncertain significance for Loeys-Dietz syndrome 2. Last evaluated: 2023-12-07. Review status: criteria provided, single submitter. Criteria: Invitae Variant Classification Sherloc (09022015). Collection method: clinical testing. Allele origin: germline.
Comment: This sequence change replaces glycine, which is neutral and non-polar, with aspartic acid, which is acidic and polar, at codon 320 of the TMPO protein (p.Gly320Asp). This variant is not present in population databases (gnomAD no frequency). This variant has not been reported in the literature in individuals affected with TMPO-related conditions. Advanced modeling of protein sequence and biophysical properties (such as structural, functional, and spatial information, amino acid conservation, physicochemical variation, residue mobility, and thermodynamic stability) performed at Invitae indicates that this missense variant is not expected to disrupt TMPO protein function with a negative predictive value of 80%. In summary, the available evidence is currently insufficient to determine the role of this variant in disease. Therefore, it has been classified as a Variant of Uncertain Significance.